The following is an entry in ClinVar:

NM_000322.5(PRPH2):c.656_658del (p.Pro219del)

Gene: PRPH2 (peripherin 2; minus strand). Cytogenetic location: 6p21.1.
Variant type: Deletion.
Coding change: c.656_658del on transcript NM_000322.5 (MANE Select); coding-DNA positions 656 to 658, 3 bases deleted (CAC; older notation c.656_658delCAC).
Protein change: p.Pro219del; deletes proline 219.
Molecular consequence: inframe deletion.
Genome position (GRCh38, 1-based): chr6:42,704,535-42,704,537, GTG deleted on the plus strand (CAC on the coding strand, the reverse complement: PRPH2 is on the minus strand); deleting any 3 consecutive bases within chr6:42,704,535-42,704,538 gives the same sequence; the c. name uses the placement nearest the transcript's 3' end. VCF-style (leftmost placement, unchanged base first): chr6-42704534-CGTG-C. GRCh37 (hg19) VCF-style: chr6-42672272-CGTG-C.
Other names: PRPH2, 3-BP DEL, PRO219DEL; c.656_658del (NM_000322.4); short protein forms P219del.
Identifiers: ClinVar variation 98697 (VCV000098697.3), dbSNP rs61755807, ClinGen allele CA226289.

ClinVar aggregate classification (germline): Likely pathogenic. Review status: criteria provided, single submitter (1 of 4 stars). 4 submissions from 4 submitters: Likely pathogenic (1). 3 of the submissions do not count toward it. Last evaluated 2024-01-30.

Conditions:
Retinitis pigmentosa 7 (RP7). Identifiers: Orphanet 791, MedGen C1842475, MONDO:0011974, OMIM 608133.

Submissions (4):

GeneDx
Classification: Likely pathogenic. Last evaluated: 2024-01-30. Review status: criteria provided, single submitter. Criteria: GeneDx Variant Classification Process June 2021. Collection method: clinical testing. Allele origin: germline. Affected: yes.
Comment: In-frame deletion of one amino acid in a non-repeat region; In silico analysis supports a deleterious effect on protein structure/function; Not observed at significant frequency in large population cohorts (gnomAD); This variant is associated with the following publications: (PMID: 1684223, 9331261, 26773759, 34411390)

Leiden Open Variation Database
Classification: Likely pathogenic. Last evaluated: 2021-04-06. Review status: no assertion criteria provided. Collection method: curation. Allele origin: germline. Affected: yes. Not counted in ClinVar's aggregate classification.
Comment: Curator: Global Variome, with Curator vacancy. Submitter to LOVD: Manon Peeters.

OMIM
Classification: Pathogenic for RETINITIS PIGMENTOSA 7. Last evaluated: 1991-12-12. Review status: no assertion criteria provided. Collection method: literature only. Allele origin: germline. Not counted in ClinVar's aggregate classification.

Retina International
No classification provided. Review status: no classification provided. Collection method: not provided. Allele origin: not provided. Not counted in ClinVar's aggregate classification.

Literature cited by the submitters: PubMed 1684223 (cited by Leiden Open Variation Database and OMIM); PubMed 9331261 (cited by Leiden Open Variation Database).